The following is an entry in ClinVar:

ClinVar aggregate classification (germline): Uncertain significance (1 of 4 stars; one submission).

Submission:

CeGaT Center for Human Genetics Tuebingen
Classification: Uncertain significance. Last evaluated: 2022-11-01. Review status: criteria provided, single submitter. Criteria: CeGaT Center For Human Genetics Tuebingen Variant Classification Criteria Version 2. Collection method: clinical testing. Allele origin: germline. Affected: yes. Observed: 1 variant allele.
Comment: TRRAP: PM2, PP2

NM_001375524.1(TRRAP):c.11515C>T (p.Leu3839Phe)

Gene: TRRAP (transformation/transcription domain associated protein; plus strand). Cytogenetic location: 7q22.1.
Variant type: single nucleotide variant.
Coding change: c.11515C>T on transcript NM_001375524.1 (MANE Select); coding-DNA position 11515, C replaced by T.
Protein change: p.Leu3839Phe; replaces leucine 3839 with phenylalanine.
Molecular consequence: missense variant.
Genome position (GRCh38, 1-based): chr7:99,012,248, C>T. VCF-style: chr7-99012248-C-T. GRCh37 (hg19) VCF-style: chr7-98609871-C-T.
Other names: c.11473C>T, p.Leu3825Phe (NM_001244580.2); c.11386C>T, p.Leu3796Phe (NM_003496.4); short protein forms L3796F, L3825F, L3839F.
Identifiers: ClinVar variation 1879694 (VCV001879694.29), dbSNP rs2485085985, ClinGen allele CA368344849.